The following is an entry in ClinVar:

NM_003922.4(HERC1):c.6925G>A (p.Val2309Met)

Gene: HERC1 (HECT and RLD domain containing E3 ubiquitin protein ligase family member 1; minus strand). Cytogenetic location: 15q22.31.
Variant type: single nucleotide variant.
Coding change: c.6925G>A on transcript NM_003922.4 (MANE Select); coding-DNA position 6925, G replaced by A.
Protein change: p.Val2309Met; replaces valine 2309 with methionine.
Molecular consequence: missense variant.
Genome position (GRCh38, 1-based): chr15:63,677,990, C>T on the plus strand (G>A on the coding strand, the complement: HERC1 is on the minus strand). VCF-style: chr15-63677990-C-T. GRCh37 (hg19) VCF-style: chr15-63970189-C-T.
Other names: short protein forms V2309M.
Identifiers: ClinVar variation 3644981 (VCV003644981.2).

ClinVar aggregate classification (germline): Uncertain significance (1 of 4 stars; one submission).

Submission:

Labcorp Genetics (formerly Invitae), Labcorp
Classification: Uncertain significance. Last evaluated: 2024-03-07. Review status: criteria provided, single submitter. Criteria: Invitae Variant Classification Sherloc (09022015). Collection method: clinical testing. Allele origin: germline.
Comment: This sequence change replaces valine, which is neutral and non-polar, with methionine, which is neutral and non-polar, at codon 2309 of the HERC1 protein (p.Val2309Met). This variant is not present in population databases (gnomAD no frequency). This variant has not been reported in the literature in individuals affected with HERC1-related conditions. Advanced modeling of protein sequence and biophysical properties (such as structural, functional, and spatial information, amino acid conservation, physicochemical variation, residue mobility, and thermodynamic stability) performed at Invitae indicates that this missense variant is not expected to disrupt HERC1 protein function with a negative predictive value of 80%. In summary, the available evidence is currently insufficient to determine the role of this variant in disease. Therefore, it has been classified as a Variant of Uncertain Significance.